The following is an entry in ClinVar:

NM_001376.5(DYNC1H1):c.9202A>G (p.Met3068Val)

Genes: DYNC1H1 (dynein cytoplasmic 1 heavy chain 1; plus strand), LOC126862060 (BRD4-independent group 4 enhancer GRCh37_chr14:102493659-102494858; plus strand). Cytogenetic location: 14q32.31.
Variant type: single nucleotide variant.
Coding change: c.9202A>G on transcript NM_001376.5 (MANE Select); coding-DNA position 9202, A replaced by G.
Protein change: p.Met3068Val; replaces methionine 3068 with valine.
Molecular consequence: missense variant.
Genome position (GRCh38, 1-based): chr14:102,027,772, A>G. VCF-style: chr14-102027772-A-G. GRCh37 (hg19) VCF-style: chr14-102494109-A-G.
Other names: short protein forms M3068V.
Identifiers: ClinVar variation 4802070 (VCV004802070.1).

ClinVar aggregate classification (germline): Uncertain significance (1 of 4 stars; one submission).

Conditions:
Charcot-Marie-Tooth disease axonal type 2O. Also called: CHARCOT-MARIE-TOOTH NEUROPATHY, AXONAL, TYPE 2O; CHARCOT-MARIE-TOOTH DISEASE, AXONAL, AUTOSOMAL DOMINANT, TYPE 2O; Charcot-Marie-Tooth Neuropathy Type 2O; Charcot-Marie-Tooth disease, axonal, type 20. Identifiers: Orphanet 284232, MedGen C3280220, MONDO:0013644, OMIM 614228.

Submission:

Labcorp Genetics (formerly Invitae), Labcorp
Classification: Uncertain significance for Charcot-Marie-Tooth disease axonal type 2O. Last evaluated: 2025-08-14. Review status: criteria provided, single submitter. Criteria: Invitae Variant Classification Sherloc (09022015). Collection method: clinical testing. Allele origin: germline.
Comment: This sequence change replaces methionine, which is neutral and non-polar, with valine, which is neutral and non-polar, at codon 3068 of the DYNC1H1 protein (p.Met3068Val). This variant is not present in population databases (gnomAD no frequency). This variant has not been reported in the literature in individuals affected with DYNC1H1-related conditions. Invitae Evidence Modeling of protein sequence and biophysical properties (such as structural, functional, and spatial information, amino acid conservation, physicochemical variation, residue mobility, and thermodynamic stability) indicates that this missense variant is expected to disrupt DYNC1H1 protein function with a positive predictive value of 95%. In summary, the available evidence is currently insufficient to determine the role of this variant in disease. Therefore, it has been classified as a Variant of Uncertain Significance.